The following is an entry in ClinVar:

ClinVar aggregate classification (germline): Likely benign (1 of 4 stars; one submission).

gnomAD v4.1: 1 of 1,614,164 alleles (0.000062%); highest among the groups gnomAD compares: Non-Finnish European, 0.000085%; no homozygotes.

Submission:

CeGaT Center for Human Genetics Tuebingen
Classification: Likely benign. Last evaluated: 2025-01-01. Review status: criteria provided, single submitter. Criteria: CeGaT Center For Human Genetics Tuebingen Variant Classification Criteria Version 2. Collection method: clinical testing. Allele origin: germline. Affected: yes. Observed: 1 variant allele.
Comment: CIT: BP4, BP7

NM_001206999.2(CIT):c.1738A>C (p.Arg580=)

Gene: CIT (citron rho-interacting serine/threonine kinase; minus strand). Cytogenetic location: 12q24.23.
Variant type: single nucleotide variant.
Coding change: c.1738A>C on transcript NM_001206999.2 (MANE Select); coding-DNA position 1738, A replaced by C.
Protein change: p.Arg580=; no amino-acid change (arginine 580 retained).
Molecular consequence: synonymous variant.
Genome position (GRCh38, 1-based): chr12:119,776,770, T>G on the plus strand (A>C on the coding strand, the complement: CIT is on the minus strand). VCF-style: chr12-119776770-T-G. GRCh37 (hg19) VCF-style: chr12-120214574-T-G.
Other names: c.1738A>C, p.Arg580= (NM_007174.3).
Identifiers: ClinVar variation 3771859 (VCV003771859.13).